The following is an entry in ClinVar:

NM_002968.3(SALL1):c.1763C>A (p.Pro588Gln)

Gene: SALL1 (spalt like transcription factor 1; minus strand). Cytogenetic location: 16q12.1.
Variant type: single nucleotide variant.
Coding change: c.1763C>A on transcript NM_002968.3 (MANE Select); coding-DNA position 1763, C replaced by A.
Protein change: p.Pro588Gln; replaces proline 588 with glutamine.
Molecular consequence: missense variant.
Genome position (GRCh38, 1-based): chr16:51,140,459, G>T on the plus strand (C>A on the coding strand, the complement: SALL1 is on the minus strand). VCF-style: chr16-51140459-G-T. GRCh37 (hg19) VCF-style: chr16-51174370-G-T.
Other names: c.1472C>A, p.Pro491Gln (NM_001127892.2); short protein forms P588Q, P491Q.
Identifiers: ClinVar variation 2841443 (VCV002841443.3), dbSNP rs2506490304, ClinGen allele CA395887495.
Genomic context (GRCh38, chr16:51,140,459, plus strand): 5'-AGCCCACCTAGGTTTCTTGTGGCTGACTCAGGGCCCCCGGAGTCACTTTTGACTGAGCCT[G>T]GGGGGCTGGTGGCAGAATGGCTGATGGGGATGGGGGCTGGCTCTTCCGTCTTGATGAAGG-3'
Protein context (NP_002959.2, residues 578-598): IPISHSATSP[Pro588Gln]GSVKSDSGGP

ClinVar aggregate classification (germline): Uncertain significance (1 of 4 stars; one submission).

Conditions:
Townes syndrome (TBS). Also called: Townes-Brocks syndrome. Identifiers: Orphanet 857, MedGen C0265246, MeSH C536974, MONDO:0007142.

Allele frequency attached by ClinVar (database versions not stated): gnomAD exomes below 0.00001.
gnomAD v4.1: 1 of 1,613,706 alleles (0.000062%); highest among the groups gnomAD compares: South Asian, 0.0011%; no homozygotes.

Submission:

Labcorp Genetics (formerly Invitae), Labcorp
Classification: Uncertain significance for Townes syndrome. Last evaluated: 2025-10-20. Review status: criteria provided, single submitter. Criteria: Invitae Variant Classification Sherloc (09022015). Collection method: clinical testing. Allele origin: germline.
Comment: This sequence change replaces proline, which is neutral and non-polar, with glutamine, which is neutral and polar, at codon 588 of the SALL1 protein (p.Pro588Gln). This variant is not present in population databases (gnomAD no frequency). This variant has not been reported in the literature in individuals affected with SALL1-related conditions. ClinVar contains an entry for this variant (Variation ID: 2841443). Invitae Evidence Modeling of protein sequence and biophysical properties (such as structural, functional, and spatial information, amino acid conservation, physicochemical variation, residue mobility, and thermodynamic stability) indicates that this missense variant is not expected to disrupt SALL1 protein function with a negative predictive value of 80%. In summary, the available evidence is currently insufficient to determine the role of this variant in disease. Therefore, it has been classified as a Variant of Uncertain Significance.